The following is an entry in ClinVar:

NM_001145026.2(PTPRQ):c.5728G>A (p.Val1910Ile)

Gene: PTPRQ (protein tyrosine phosphatase receptor type Q; plus strand). Cytogenetic location: 12q21.31.
Variant type: single nucleotide variant.
Coding change: c.5728G>A on transcript NM_001145026.2 (MANE Select); coding-DNA position 5728, G replaced by A.
Protein change: p.Val1910Ile; replaces valine 1910 with isoleucine.
Molecular consequence: missense variant.
Genome position (GRCh38, 1-based): chr12:80,632,233, G>A. VCF-style: chr12-80632233-G-A. GRCh37 (hg19) VCF-style: chr12-81026012-G-A.
Other names: short protein forms V1910I.
Identifiers: ClinVar variation 3345349 (VCV003345349.3).
Genomic context (GRCh38, chr12:80,632,233, plus strand): 5'-TGTTATCCCTCTTCTCCAGGGGAAGGACTTTCAGAAAGAACCGTAGAGATCATTCTTTCC[G>A]TCACTTTGTGTATCCTTTCAATAATTCTCCTTGGAACAGCTATTTTTGCATTTGCAAGGT-3'
Protein context (NP_001138498.1, residues 1900-1920): SERTVEIILS[Val1910Ile]TLCILSIILL

ClinVar aggregate classification (germline): Uncertain significance. Review status: criteria provided, multiple submitters, no conflicts (2 of 4 stars). 3 submissions from 3 submitters: Uncertain significance (2). 1 of the submissions does not count toward it. Last evaluated 2024-07-05.

Conditions:
PTPRQ-related disorder. Also called: PTPRQ-related condition.
Autosomal recessive nonsyndromic hearing loss 84A. Also called: DEAFNESS, AUTOSOMAL RECESSIVE 84A; DEAFNESS, AUTOSOMAL RECESSIVE 84A, WITH VESTIBULAR DYSFUNCTION. Identifiers: Orphanet 90636, MedGen C3150654, MONDO:0013249, OMIM 613391.

gnomAD v4.1: 313 of 1,551,336 alleles (0.02%); highest among the groups gnomAD compares: African/African-American, 0.31%; no homozygotes.

Submissions (3):

Blueprint Genetics
Classification: Uncertain significance. Last evaluated: 2024-07-05. Review status: criteria provided, single submitter. Criteria: ACMG Guidelines, 2015. Collection method: clinical testing. Allele origin: germline.

Institute of Human Genetics, Clinical Exome/Genome Diagnostics Group, University Hospital Bonn
Classification: Uncertain significance for Autosomal recessive nonsyndromic hearing loss 84A. Last evaluated: 2023-12-22. Review status: criteria provided, single submitter. Criteria: ACMG Guidelines, 2015. Collection method: clinical testing. Allele origin: biparental.

PreventionGenetics, part of Exact Sciences
Classification: Likely benign for PTPRQ-related condition. Last evaluated: 2024-04-05. Review status: no assertion criteria provided. Collection method: clinical testing. Allele origin: germline. Not counted in ClinVar's aggregate classification.
Comment: This variant is classified as likely benign based on ACMG/AMP sequence variant interpretation guidelines (Richards et al. 2015 PMID: 25741868, with internal and published modifications).